The following is an entry in ClinVar:

ClinVar aggregate classification (germline): Uncertain significance (1 of 4 stars; one submission).

Conditions:
Ehlers-Danlos syndrome, classic type, 1 (EDSCL1). Also called: EHLERS-DANLOS SYNDROME, GRAVIS TYPE; EHLERS-DANLOS SYNDROME, SEVERE CLASSIC TYPE; Ehlers-Danlos syndrome, type 1; Ehlers-Danlos Syndrome, Classic Type, COL5A1-Related; EDS I. Identifiers: MedGen C0268335, MONDO:0019567, OMIM 130000.

Submission:

Labcorp Genetics (formerly Invitae), Labcorp
Classification: Uncertain significance for Ehlers-Danlos syndrome, classic type, 1. Last evaluated: 2025-05-21. Review status: criteria provided, single submitter. Criteria: Invitae Variant Classification Sherloc (09022015). Collection method: clinical testing. Allele origin: germline.
Comment: This sequence change replaces tryptophan, which is neutral and slightly polar, with arginine, which is basic and polar, at codon 5 of the COL5A2 protein (p.Trp5Arg). This variant is not present in population databases (gnomAD no frequency). This variant has not been reported in the literature in individuals affected with COL5A2-related conditions. Invitae Evidence Modeling of protein sequence and biophysical properties (such as structural, functional, and spatial information, amino acid conservation, physicochemical variation, residue mobility, and thermodynamic stability) has been performed for this missense variant. However, the output from this modeling did not meet the statistical confidence thresholds required to predict the impact of this variant on COL5A2 protein function. In summary, the available evidence is currently insufficient to determine the role of this variant in disease. Therefore, it has been classified as a Variant of Uncertain Significance.

NM_000393.5(COL5A2):c.13T>A (p.Trp5Arg)

Gene: COL5A2 (collagen type V alpha 2 chain; minus strand). Cytogenetic location: 2q32.2.
Variant type: single nucleotide variant.
Coding change: c.13T>A on transcript NM_000393.5 (MANE Select); coding-DNA position 13, T replaced by A.
Protein change: p.Trp5Arg; replaces tryptophan 5 with arginine.
Molecular consequence: missense variant.
Genome position (GRCh38, 1-based): chr2:189,179,592, A>T on the plus strand (T>A on the coding strand, the complement: COL5A2 is on the minus strand). VCF-style: chr2-189179592-A-T. GRCh37 (hg19) VCF-style: chr2-190044318-A-T.
Other names: short protein forms W5R.
Identifiers: ClinVar variation 4748189 (VCV004748189.1).